The following is an entry in ClinVar:

ClinVar aggregate classification (germline): Uncertain significance (1 of 4 stars; one submission).

Conditions:
Atrioventricular septal defect 4 (AVSD4). Identifiers: MedGen C3280781, MONDO:0013747, OMIM 614430.

gnomAD v4.1: 2 of 1,584,118 alleles (0.00013%); highest among the groups gnomAD compares: Non-Finnish European, 0.00017%; no homozygotes.

Submission:

Labcorp Genetics (formerly Invitae), Labcorp
Classification: Uncertain significance for Atrioventricular septal defect 4. Last evaluated: 2025-12-22. Review status: criteria provided, single submitter. Criteria: Invitae Variant Classification Sherloc (09022015). Collection method: clinical testing. Allele origin: germline.
Comment: This sequence change replaces histidine, which is basic and polar, with asparagine, which is neutral and polar, at codon 11 of the GATA4 protein (p.His11Asn). This variant is not present in population databases (gnomAD no frequency). This variant has not been reported in the literature in individuals affected with GATA4-related conditions. ClinVar contains an entry for this variant (Variation ID: 934654). Invitae Evidence Modeling of protein sequence and biophysical properties (such as structural, functional, and spatial information, amino acid conservation, physicochemical variation, residue mobility, and thermodynamic stability) has been performed for this missense variant. However, the output from this modeling did not meet the statistical confidence thresholds required to predict the impact of this variant on GATA4 protein function. In summary, the available evidence is currently insufficient to determine the role of this variant in disease. Therefore, it has been classified as a Variant of Uncertain Significance.

NM_001308093.3(GATA4):c.31C>A (p.His11Asn)

Gene: GATA4 (GATA binding protein 4). Cytogenetic location: 8p23.1.
Variant type: single nucleotide variant.
Coding change: c.31C>A on transcript NM_001308093.3 (MANE Select); coding-DNA position 31, C replaced by A.
Protein change: p.His11Asn; replaces histidine 11 with asparagine.
Molecular consequence: missense variant. On other transcripts: intron variant (3).
Genome position (GRCh38, 1-based): chr8:11,708,343, C>A. VCF-style: chr8-11708343-C-A. GRCh37 (hg19) VCF-style: chr8-11565852-C-A.
Other names: c.31C>A, p.His11Asn (NM_002052.5); c.-6+7565C>A (NM_001308094.2); c.-3+329C>A (NM_001374274.1); c.-3+4039C>A (NM_001374273.1); short protein forms H11N.
Identifiers: ClinVar variation 934654 (VCV000934654.9), dbSNP rs1350855665, ClinGen allele CA370308532.